The following is an entry in ClinVar:

NM_024306.5(FA2H):c.129C>A (p.His43Gln)

Genes: FA2H (fatty acid 2-hydroxylase; minus strand), LOC130059394 (ATAC-STARR-seq lymphoblastoid silent region 7701; plus strand). Cytogenetic location: 16q23.1.
Variant type: single nucleotide variant.
Coding change: c.129C>A on transcript NM_024306.5 (MANE Select); coding-DNA position 129, C replaced by A.
Protein change: p.His43Gln; replaces histidine 43 with glutamine.
Molecular consequence: missense variant.
Genome position (GRCh38, 1-based): chr16:74,774,627, G>T on the plus strand (C>A on the coding strand, the complement: FA2H is on the minus strand). VCF-style: chr16-74774627-G-T. GRCh37 (hg19) VCF-style: chr16-74808525-G-T.
Other names: short protein forms H43Q.
Identifiers: ClinVar variation 4537489 (VCV004537489.1).
Genomic context (GRCh38, chr16:74,774,627, plus strand): 5'-GTCCAGGTCGGCGCTGATGTCCTGGCCCGCCCTGGCCCGCAGCAGCTGCTCGCCCCCCGG[G>T]TGGTGCCGCACGAAGCTGGAGAGGTCGTAGAGGCGGGCCCCGCGGCGGACCCAGCACGCG-3'
Protein context (NP_077282.3, residues 33-53): LYDLSSFVRH[His43Gln]PGGEQLLRAR

ClinVar aggregate classification (germline): Uncertain significance (1 of 4 stars; one submission).

Conditions:
Hereditary spastic paraplegia 35. Also called: LEUKODYSTROPHY, DYSMYELINATING, AND SPASTIC PARAPARESIS WITH OR WITHOUT DYSTONIA; Spastic paraplegia 35, autosomal recessive; Spastic paraplegia 35; SPASTIC PARAPLEGIA 35, AUTOSOMAL RECESSIVE, WITH OR WITHOUT NEURODEGENERATION. Identifiers: Orphanet 171629, MedGen C3496228, MONDO:0012866, OMIM 612319.

Submission:

Genomic Research Center, Shahid Beheshti University of Medical Sciences
Classification: Uncertain significance for Hereditary spastic paraplegia 35. Last evaluated: 2023-12-20. Review status: criteria provided, single submitter. Criteria: ACMG Guidelines, 2015. Collection method: clinical testing. Allele origin: inherited. Affected: yes. Observed: 1 homozygote.
Comment: This missense variant is located in a critical functional domain of the protein. It is absent in population databases. In addition, computational prediction tools support a deleterious effect on protein function.